The following is an entry in ClinVar:

ClinVar aggregate classification (germline): Benign (1 of 4 stars; one submission).

Conditions:
Cockayne syndrome type 1. Also called: Cockayne syndrome type I; Cockayne syndrome classical; Cockayne syndrome classic form. Identifiers: Orphanet 191, Orphanet 90321, MedGen C0751039, MONDO:0019569, OMIM 216400.

Allele frequency attached by ClinVar (database versions not stated): 1000 Genomes Project 0.00659; TOPMed 0.00662; 1000 Genomes Project 30x 0.00718; gnomAD exomes 0.05556.
gnomAD v4.1: 859 of 152,348 alleles (0.56%); highest among the groups gnomAD compares: Middle Eastern, 1.7%; 9 homozygotes.

Submission:

Illumina Laboratory Services, Illumina
Classification: Benign for Cockayne syndrome type 1. Last evaluated: 2018-01-13. Review status: criteria provided, single submitter. Criteria: ICSL Variant Classification Criteria 13 December 2019. Collection method: clinical testing. Allele origin: germline.
Comment: This variant was observed in the ICSL laboratory as part of a predisposition screen in an ostensibly healthy population. It had not been previously curated by ICSL or reported in the Human Gene Mutation Database (HGMD: prior to June 1st, 2018), and was therefore a candidate for classification through an automated scoring system. Utilizing variant allele frequency, disease prevalence and penetrance estimates, and inheritance mode, an automated score was calculated to assess if this variant is too frequent to cause the disease. Based on the score and internal cut-off values, a variant classified as benign is not then subjected to further curation. The score for this variant resulted in a classification of benign for this disease.

NM_000082.4(ERCC8):c.*583T>C

Gene: ERCC8 (ERCC excision repair 8, CSA ubiquitin ligase complex subunit; minus strand). Cytogenetic location: 5q12.1.
Variant type: single nucleotide variant.
Coding change: c.*583T>C on transcript NM_000082.4 (MANE Select); 583 bases downstream of the stop codon, T replaced by C.
Molecular consequence: 3 prime UTR variant.
Genome position (GRCh38, 1-based): chr5:60,874,032, A>G on the plus strand (T>C on the coding strand, the complement: ERCC8 is on the minus strand). VCF-style: chr5-60874032-A-G. GRCh37 (hg19) VCF-style: chr5-60169859-A-G.
Other names: c.*583T>C (NM_001007233.3, NM_001290285.2).
Identifiers: ClinVar variation 906685 (VCV000906685.4), dbSNP rs4647158, ClinGen allele CA118831228.
Genomic context (GRCh38, chr5:60,874,032, plus strand): 5'-GCAAACTGCCTTCTGACATTAAAATAAAATAAAGCAAACATGGGATTTTCACAAAGTTAA[A>G]AGCCTCCTGTGATGCACATTTTGGATAGTAGGAGACATTGAGCCCCAAAATGTTTAACAT-3'